The following is an entry in ClinVar:

NM_001042492.3(NF1):c.541C>T (p.Gln181Ter)

Gene: NF1 (neurofibromin 1; plus strand). Cytogenetic location: 17q11.2.
Variant type: single nucleotide variant.
Coding change: c.541C>T on transcript NM_001042492.3 (MANE Select); coding-DNA position 541, C replaced by T.
Protein change: p.Gln181Ter; replaces glutamine 181 with a stop codon.
Molecular consequence: nonsense.
Genome position (GRCh38, 1-based): chr17:31,169,952, C>T. VCF-style: chr17-31169952-C-T. GRCh37 (hg19) VCF-style: chr17-29496970-C-T.
Other names: c.541C>T, p.Gln181Ter (NM_000267.4, NM_001128147.3); short protein forms Q181*.
Identifiers: ClinVar variation 492874 (VCV000492874.56), dbSNP rs753529924, ClinGen allele CA398985168.

ClinVar aggregate classification (germline): Pathogenic. Review status: criteria provided, multiple submitters, no conflicts (2 of 4 stars). 12 submissions from 12 submitters: Pathogenic (11). 1 of the submissions does not count toward it. Last evaluated 2025-09-14.

Conditions:
Juvenile myelomonocytic leukemia (JMML). Also called: LEUKEMIA, JUVENILE MYELOMONOCYTIC, SOMATIC. Identifiers: Orphanet 86834, MedGen C0349639, MONDO:0011908, OMIM 607785, HP:0012209.
Neurofibromatosis-Noonan syndrome (NFNS). Also called: NEUROFIBROMATOSIS WITH NOONAN PHENOTYPE. Identifiers: Orphanet 638, MedGen C2931482, MONDO:0011035, OMIM 601321. Disease mechanism: loss of function.
NF1-related disorder. Also called: NF1-related condition. Identifiers: MedGen CN379171.
Neurofibromatosis, type 1 (NF1). Also called: Peripheral type neurofibromatosis; NEUROFIBROMATOSIS, TYPE I, SOMATIC; Neurofibromatosis, type I; VON RECKLINGHAUSEN DISEASE. Identifiers: Orphanet 636, MedGen C0027831, MONDO:0018975, OMIM 162200. Disease mechanism: loss of function.
Hereditary cancer-predisposing syndrome. Also called: Hereditary neoplastic syndrome; Neoplastic Syndromes, Hereditary; Hereditary Cancer Syndrome; Tumor predisposition. Identifiers: Orphanet 140162, MedGen C0027672, MeSH D009386, MONDO:0015356.
Cardiovascular phenotype. Identifiers: MedGen CN230736.

Submissions (12):

Labcorp Genetics (formerly Invitae), Labcorp
Classification: Pathogenic for Neurofibromatosis, type 1. Last evaluated: 2025-09-14. Review status: criteria provided, single submitter. Criteria: Invitae Variant Classification Sherloc (09022015). Collection method: clinical testing. Allele origin: germline.
Comment: This sequence change creates a premature translational stop signal (p.Gln181*) in the NF1 gene. It is expected to result in an absent or disrupted protein product. Loss-of-function variants in NF1 are known to be pathogenic (PMID: 10712197, 23913538). This variant is not present in population databases (gnomAD no frequency). This premature translational stop signal has been observed in individual(s) with diagnosis or suspicion of neurofibromatosis type I (PMID: 16944272, 24218100, 27060315, 30014477). In at least one individual the variant was observed to be de novo. It has also been observed to segregate with disease in related individuals. Invitae Evidence Modeling of clinical and family history, age, sex, and reported ancestry of multiple individuals with this NF1 variant has been performed. This variant is expected to be pathogenic with a positive predictive value of at least 99%. This is a validated machine learning model that incorporates the clinical features of 1,785,918 individuals referred to our laboratory for NF1 testing. ClinVar contains an entry for this variant (Variation ID: 492874). For these reasons, this variant has been classified as Pathogenic.

NHS Central & South Genomic Laboratory Hub
Classification: Pathogenic for Neurofibromatosis type 1. Last evaluated: 2025-04-09. Review status: criteria provided, single submitter. Criteria: ACMG Guidelines, 2015. Collection method: clinical testing. Allele origin: germline. Affected: yes.

Baylor Genetics
Classification: Pathogenic for Juvenile myelomonocytic leukemia. Last evaluated: 2023-10-06. Review status: criteria provided, single submitter. Criteria: ACMG Guidelines, 2015. Collection method: clinical testing. Allele origin: unknown.

Institute for Genomic Medicine (IGM) Clinical Laboratory, Nationwide Children's Hospital
Classification: Pathogenic for Neurofibromatosis, type 1. Last evaluated: 2023-05-02. Review status: criteria provided, single submitter. Criteria: ACMG Guidelines, 2015. Collection method: clinical testing. Allele origin: germline.
Comment: This variant is predicted to result in loss of function through nonsense-mediated decay of the encoded transcript or premature truncation of the encoded protein in a gene in which loss of function is a known mechanism of disease (ACMG/AMP: PVS1). This variant has been reported at an elevated frequency in affected individuals/in multiple affected individuals in the literature (ACMG/AMP: PS4_Moderate; PMIDs:16944272, 24218100, 30014477). This variant is absent from or present at an exceedingly low frequency in gnomAD, a large-scale control population database (ACMG/AMP: PM2). This variant has been reported to occur de novo in an affected individual in the literature without parental identity confirmed (ACMG/AMP: PM6). This variant has been shown to segregate with disease in multiple affected family members (ACMG/AMP: PP1; PMID:24218100).

Institute of Human Genetics, University of Leipzig Medical Center
Classification: Pathogenic for Neurofibromatosis-Noonan syndrome. Last evaluated: 2022-12-12. Review status: criteria provided, single submitter. Criteria: ACMG Guidelines, 2015. Collection method: clinical testing. Allele origin: unknown. Affected: yes.
Comment: _x000D_ Criteria applied: PVS1, PP1_STR, PM2_SUP

Ambry Genetics
Classification: Pathogenic for Cardiovascular phenotype; Hereditary cancer-predisposing syndrome. Last evaluated: 2022-11-28. Review status: criteria provided, single submitter. Criteria: Ambry Variant Classification Scheme 2023. Collection method: clinical testing. Allele origin: germline.
Comment: The p.Q181* pathogenic mutation (also known as c.541C>T), located in coding exon 5 of the NF1 gene, results from a C to T substitution at nucleotide position 541. This changes the amino acid from a glutamine to a stop codon within coding exon 5. This mutation was reported in 6 members of a large Chinese family that met classical clinical criteria for neurofibromatosis type 1 (NF1); in addition, seven unaffected members of this same family were tested and did not have the mutation (Liang JT, Neurosci Bull. 2013; 29(6):708-14). Furthermore, this mutation was reportedly de novo in two unrelated individuals with clinical features of NF1 (Griffiths S, Fam Cancer. 2007; 6(1):21-34). This alteration is expected to result in loss of function by premature protein truncation or nonsense-mediated mRNA decay. As such, this alteration is interpreted as a disease-causing mutation.

GeneDx
Classification: Pathogenic. Last evaluated: 2022-07-15. Review status: criteria provided, single submitter. Criteria: GeneDx Variant Classification Process June 2021. Collection method: clinical testing. Allele origin: germline. Affected: yes.
Comment: Nonsense variant predicted to result in protein truncation or nonsense mediated decay in a gene for which loss of function is a known mechanism of disease; Not observed at significant frequency in large population cohorts (gnomAD); This variant is associated with the following publications: (PMID: 28825729, 24218100, 27060315, 16944272, 25525159, 28481359, 30014477, 30877234)

Blueprint Genetics
Classification: Pathogenic for NF1-related disorders. Last evaluated: 2022-06-20. Review status: criteria provided, single submitter. Criteria: ACMG Guidelines, 2015. Collection method: clinical testing. Allele origin: germline. Affected: yes. Observed: 1 variant allele.

Genome-Nilou Lab
Classification: Pathogenic for Neurofibromatosis, type 1. Last evaluated: 2022-03-15. Review status: criteria provided, single submitter. Criteria: ACMG Guidelines, 2015. Collection method: clinical testing. Allele origin: germline. Affected: no.

CeGaT Center for Human Genetics Tuebingen
Classification: Pathogenic. Last evaluated: 2020-11-01. Review status: criteria provided, single submitter. Criteria: CeGaT Center For Human Genetics Tuebingen Variant Classification Criteria Version 2. Collection method: clinical testing. Allele origin: germline. Affected: yes. Observed: 1 variant allele.

Genome Diagnostics Laboratory, The Hospital for Sick Children
Classification: Pathogenic for Neurofibromatosis, type 1. Last evaluated: 2020-10-26. Review status: criteria provided, single submitter. Criteria: ACMG Guidelines, 2015. Collection method: clinical testing. Allele origin: germline. Affected: yes.

Clinical Molecular Genetics Laboratory, Johns Hopkins All Children's Hospital
Classification: Pathogenic for Neurofibromatosis, type 1. Last evaluated: 2015-09-25. Review status: no assertion criteria provided. Collection method: clinical testing. Allele origin: germline. Affected: yes. Not counted in ClinVar's aggregate classification.

Literature cited by the submitters: PubMed 10712197 (cited by Labcorp Genetics (formerly Invitae), Labcorp); PubMed 23913538 (cited by Labcorp Genetics (formerly Invitae), Labcorp); PubMed 16944272 (cited by Labcorp Genetics (formerly Invitae), Labcorp and Institute for Genomic Medicine (IGM) Clinical Laboratory, Nationwide Children's Hospital); PubMed 24218100 (cited by Labcorp Genetics (formerly Invitae), Labcorp and Institute for Genomic Medicine (IGM) Clinical Laboratory, Nationwide Children's Hospital); PubMed 27060315 (cited by Labcorp Genetics (formerly Invitae), Labcorp); PubMed 30014477 (cited by Labcorp Genetics (formerly Invitae), Labcorp and Institute for Genomic Medicine (IGM) Clinical Laboratory, Nationwide Children's Hospital).